The following is an entry in ClinVar:

NM_016341.4(PLCE1):c.1508C>T (p.Pro503Leu)

Gene: PLCE1 (phospholipase C epsilon 1; plus strand). Cytogenetic location: 10q23.33.
Variant type: single nucleotide variant.
Coding change: c.1508C>T on transcript NM_016341.4 (MANE Select); coding-DNA position 1508, C replaced by T.
Protein change: p.Pro503Leu; replaces proline 503 with leucine.
Molecular consequence: missense variant.
Genome position (GRCh38, 1-based): chr10:94,171,195, C>T. VCF-style: chr10-94171195-C-T. GRCh37 (hg19) VCF-style: chr10-95930952-C-T.
Other names: c.584C>T, p.Pro195Leu (NM_001165979.2); c.1508C>T, p.Pro503Leu (NM_001288989.2); short protein forms P195L, P503L.
Identifiers: ClinVar variation 2379220 (VCV002379220.5), dbSNP rs181228584, ClinGen allele CA5612409.

ClinVar aggregate classification (germline): Uncertain significance. Review status: criteria provided, multiple submitters, no conflicts (2 of 4 stars). 3 submissions from 3 submitters: Uncertain significance (3). Last evaluated 2025-12-18.

Conditions:
Nephrotic syndrome, type 3 (NPHS3). Also called: NEPHROTIC SYNDROME, EARLY-ONSET, TYPE 3. Identifiers: Orphanet 656, MedGen C1853124, MONDO:0012546, OMIM 610725.
PLCE1-related disorder. Also called: PLCE1-related condition.
Inborn genetic diseases. Identifiers: MedGen C0950123, MeSH D030342.

Allele frequency attached by ClinVar (database versions not stated): ExAC 0.00005; 1000 Genomes Project 30x 0.00016; TOPMed 0.00019; 1000 Genomes Project 0.00020; gnomAD 0.00021; ESP Exome Variant Server 0.00025.

Submissions (3):

PreventionGenetics, part of Exact Sciences
Classification: Uncertain significance for PLCE1-related condition. Last evaluated: 2025-12-18. Review status: criteria provided, single submitter. Criteria: ACMG Guidelines, 2015. Collection method: clinical testing. Allele origin: germline.
Comment: The PLCE1 c.1508C>T variant is predicted to result in the amino acid substitution p.Pro503Leu. To our knowledge, this variant has not been reported in the literature. This variant is reported in 0.087% of alleles in individuals of African descent in gnomAD. Although we suspect that this variant may be benign, at this time, the clinical significance of this variant is uncertain due to the absence of conclusive functional and genetic evidence.

Ambry Genetics
Classification: Uncertain significance for Inborn genetic diseases. Last evaluated: 2024-08-21. Review status: criteria provided, single submitter. Criteria: Ambry Variant Classification Scheme 2023. Collection method: clinical testing. Allele origin: germline.

Fulgent Genetics
Classification: Uncertain significance for Nephrotic syndrome, type 3. Last evaluated: 2024-03-25. Review status: criteria provided, single submitter. Criteria: ACMG Guidelines, 2015. Collection method: clinical testing. Allele origin: germline.